The following is an entry in ClinVar:

ClinVar aggregate classification (germline): Uncertain significance (1 of 4 stars; one submission).

Conditions:
Inborn genetic diseases. Identifiers: MedGen C0950123, MeSH D030342.

Allele frequency attached by ClinVar (database versions not stated): gnomAD 0.00001.
gnomAD v4.1: 1 of 1,612,244 alleles (0.000062%); highest among the groups gnomAD compares: African/African-American, 0.0013%; no homozygotes.

Submission:

Ambry Genetics
Classification: Uncertain significance for Inborn genetic diseases. Last evaluated: 2022-08-02. Review status: criteria provided, single submitter. Criteria: Ambry Variant Classification Scheme 2023. Collection method: clinical testing. Allele origin: germline.
Comment: The p.Y772S variant (also known as c.2315A>C), located in coding exon 18 of the BUB1B gene, results from an A to C substitution at nucleotide position 2315. The tyrosine at codon 772 is replaced by serine, an amino acid with dissimilar properties. This amino acid position is conserved. In addition, this alteration is predicted to be tolerated by in silico analysis. Since supporting evidence is limited at this time, the clinical significance of this alteration remains unclear.

NM_001211.6(BUB1B):c.2315A>C (p.Tyr772Ser)

Gene: BUB1B (BUB1 mitotic checkpoint serine/threonine kinase B; plus strand). Cytogenetic location: 15q15.1.
Variant type: single nucleotide variant.
Coding change: c.2315A>C on transcript NM_001211.6 (MANE Select); coding-DNA position 2315, A replaced by C.
Protein change: p.Tyr772Ser; replaces tyrosine 772 with serine.
Molecular consequence: missense variant.
Genome position (GRCh38, 1-based): chr15:40,210,140, A>C. VCF-style: chr15-40210140-A-C. GRCh37 (hg19) VCF-style: chr15-40502341-A-C.
Other names: short protein forms Y772S.
Identifiers: ClinVar variation 1789480 (VCV001789480.2), dbSNP rs2037692692, ClinGen allele CA391694889.
Genomic context (GRCh38, chr15:40,210,140, plus strand): 5'-TTTTTAAATGGAATCAAACTTTCTCAACAGGTAATGAGGATTACTGCATTAAACGAGAAT[A>C]CCTAATATGTGAAGATTACAAGTTATTCTGGGTGGCGCCAAGAAACTCTGCAGAATTAAC-3'
Protein context (NP_001202.5, residues 762-782): GNEDYCIKRE[Tyr772Ser]LICEDYKLFW